The following is an entry in ClinVar:

ClinVar aggregate classification (germline): Uncertain significance (1 of 4 stars; one submission).

Conditions:
Inborn genetic diseases. Identifiers: MedGen C0950123, MeSH D030342.

gnomAD v4.1: 2 of 1,613,918 alleles (0.00012%); highest among the groups gnomAD compares: African/African-American, 0.0027%; no homozygotes.

Submission:

Ambry Genetics
Classification: Uncertain significance for Inborn genetic diseases. Last evaluated: 2026-08-16. Review status: criteria provided, single submitter. Criteria: Ambry Variant Classification Scheme 2023. Collection method: clinical testing. Allele origin: germline.
Comment: The p.P497L variant (also known as c.1490C>T), located in coding exon 8 of the LTBP3 gene, results from a C to T substitution at nucleotide position 1490. The proline at codon 497 is replaced by leucine, an amino acid with similar properties. This amino acid position is conserved. In addition, this alteration is predicted to be tolerated by in silico analysis. Based on the available evidence, the clinical significance of this variant remains unclear.

NM_001130144.3(LTBP3):c.1490C>T (p.Pro497Leu)

Gene: LTBP3 (latent transforming growth factor beta binding protein 3; minus strand). Cytogenetic location: 11q13.1.
Variant type: single nucleotide variant.
Coding change: c.1490C>T on transcript NM_001130144.3 (MANE Select); coding-DNA position 1490, C replaced by T.
Protein change: p.Pro497Leu; replaces proline 497 with leucine.
Molecular consequence: missense variant.
Genome position (GRCh38, 1-based): chr11:65,552,013, G>A on the plus strand (C>T on the coding strand, the complement: LTBP3 is on the minus strand). VCF-style: chr11-65552013-G-A. GRCh37 (hg19) VCF-style: chr11-65319484-G-A.
Other names: c.1139C>T, p.Pro380Leu (NM_001164266.1); c.1490C>T, p.Pro497Leu (NM_021070.4); short protein forms P380L, P497L.
Identifiers: ClinVar variation 5023715 (VCV005023715.1).